The following is an entry in ClinVar:

NM_001387430.1(SH2B1):c.2143C>T (p.Gln715Ter)

Gene: SH2B1 (SH2B adaptor protein 1; plus strand). Cytogenetic location: 16p11.2.
Variant type: single nucleotide variant.
Coding change: c.2143C>T on transcript NM_001387430.1 (MANE Select); coding-DNA position 2143, C replaced by T.
Protein change: p.Gln715Ter; replaces glutamine 715 with a stop codon.
Molecular consequence: nonsense. On other transcripts: 3 prime UTR variant (5).
Genome position (GRCh38, 1-based): chr16:28,873,692, C>T. VCF-style: chr16-28873692-C-T. GRCh37 (hg19) VCF-style: chr16-28885013-C-T.
Other names: c.2143C>T, p.Gln715Ter (NM_001145795.2, NM_001308293.2, NM_001387404.1); c.*227C>T (NM_001145796.2, NM_001145812.2, NM_001308294.2 and 1 more transcripts); c.*244C>T (NM_001145797.2); short protein forms Q715*.
Identifiers: ClinVar variation 4977061 (VCV004977061.1).

ClinVar aggregate classification (germline): Uncertain significance (1 of 4 stars; one submission).

Conditions:
SH2B1-related disorder. Also called: SH2B1-related condition.

gnomAD v4.1: 1 of 1,517,400 alleles (0.000066%); highest among the groups gnomAD compares: Admixed American, 0.0022%; no homozygotes.

Submission:

PreventionGenetics, part of Exact Sciences
Classification: Uncertain significance for SH2B1-related condition. Last evaluated: 2026-09-15. Review status: criteria provided, single submitter. Criteria: ACMG Guidelines, 2015. Collection method: clinical testing. Allele origin: germline.
Comment: The SH2B1 c.2143C>T variant is predicted to result in premature protein termination (p.Gln715*). To our knowledge, this variant has not been reported in the literature or in a large population database (gnomAD), indicating this variant is rare. This variant resides in the final exon of this gene, and it is unclear if the resulting mRNA would undergo nonsense-mediated decay. At this time, the clinical significance of this variant is uncertain due to the absence of conclusive functional and genetic evidence.